The following is an entry in ClinVar:

NM_000548.5(TSC2):c.867G>A (p.Ala289=)

Gene: TSC2 (TSC complex subunit 2; plus strand). Cytogenetic location: 16p13.3.
Variant type: single nucleotide variant.
Coding change: c.867G>A on transcript NM_000548.5 (MANE Select); coding-DNA position 867, G replaced by A.
Protein change: p.Ala289=; no amino-acid change (alanine 289 retained).
Molecular consequence: synonymous variant.
Genome position (GRCh38, 1-based): chr16:2,058,765, G>A. VCF-style: chr16-2058765-G-A. GRCh37 (hg19) VCF-style: chr16-2108766-G-A.
Other names: c.867G>A, p.Ala289= (NM_001077183.3, NM_001114382.3, NM_001363528.2 and 3 more transcripts); c.756G>A, p.Ala252= (NM_001318827.2); c.720G>A, p.Ala240= (NM_001318829.2); c.267G>A, p.Ala89= (NM_001318831.2); c.900G>A, p.Ala300= (NM_001318832.2).
Identifiers: ClinVar variation 230383 (VCV000230383.21), dbSNP rs375163125, ClinGen allele CA056629.

ClinVar aggregate classification (germline): Benign/Likely benign. Review status: criteria provided, multiple submitters, no conflicts (2 of 4 stars). 7 submissions from 7 submitters: Benign (2); Likely benign (5). Last evaluated 2025-09-20.

Conditions:
Hereditary cancer-predisposing syndrome. Also called: Hereditary Cancer Syndrome; Neoplastic Syndromes, Hereditary; Tumor predisposition; Hereditary neoplastic syndrome. Identifiers: Orphanet 140162, MedGen C0027672, MeSH D009386, MONDO:0015356.
Tuberous sclerosis syndrome (TSC). Also called: Tuberous sclerosis; Tuberous Sclerosis Complex. Identifiers: Orphanet 805, MedGen C0041341, MONDO:0001734.
Tuberous sclerosis 2 (TSC2). Identifiers: Orphanet 805, MedGen C1860707, MONDO:0013199, OMIM 613254.

Allele frequency attached by ClinVar (database versions not stated): gnomAD 0.00001; ESP Exome Variant Server 0.00008.
gnomAD v4.1: 7 of 1,586,708 alleles (0.00044%); highest among the groups gnomAD compares: East Asian, 0.0023%; no homozygotes.

Submissions (7):

Labcorp Genetics (formerly Invitae), Labcorp
Classification: Likely benign for Tuberous sclerosis 2. Last evaluated: 2025-09-20. Review status: criteria provided, single submitter. Criteria: Invitae Variant Classification Sherloc (09022015). Collection method: clinical testing. Allele origin: germline.

Myriad Genetics, Inc.
Classification: Benign for Tuberous sclerosis 2. Last evaluated: 2025-05-12. Review status: criteria provided, single submitter. Criteria: Myriad Autosomal Dominant, Autosomal Recessive and X-Linked Classification Criteria (2023). Collection method: clinical testing. Allele origin: unknown.
Comment: This variant is considered benign. This variant is a silent/synonymous amino acid change and it is not expected to impact splicing.

All of Us Research Program, National Institutes of Health
Classification: Likely benign for Tuberous sclerosis syndrome. Last evaluated: 2023-12-13. Review status: criteria provided, single submitter. Criteria: ACMG Guidelines, 2015. Collection method: clinical testing. Allele origin: germline. Inheritance: Autosomal dominant inheritance. Observed: 1 variant allele, 1 heterozygote.
Comment: This study involves interpretation of variants in research participants for the purpose of population health screening. Participant phenotype was not available at the time of variant classification. Additional details can be found in publication PMID: 35346344, PMCID: PMC8962531

Color Diagnostics, LLC DBA Color Health
Classification: Likely benign for Tuberous sclerosis syndrome. Last evaluated: 2023-11-15. Review status: criteria provided, single submitter. Criteria: ACMG Guidelines, 2015. Collection method: clinical testing. Allele origin: germline.

Genome-Nilou Lab
Classification: Benign for Tuberous sclerosis 2. Last evaluated: 2021-11-07. Review status: criteria provided, single submitter. Criteria: ACMG Guidelines, 2015. Collection method: clinical testing. Allele origin: germline. Affected: no.

GeneDx
Classification: Likely benign. Last evaluated: 2021-04-26. Review status: criteria provided, single submitter. Criteria: GeneDx Variant Classification Process June 2021. Collection method: clinical testing. Allele origin: germline. Affected: yes.

Ambry Genetics
Classification: Likely benign for Hereditary cancer-predisposing syndrome. Last evaluated: 2015-02-10. Review status: criteria provided, single submitter. Criteria: Ambry Variant Classification Scheme 2023. Collection method: clinical testing. Allele origin: germline.